The following is an entry in ClinVar:

ClinVar aggregate classification (germline): Conflicting classifications of pathogenicity. Review status: criteria provided, conflicting classifications (1 of 4 stars). 8 submissions from 8 submitters: Uncertain significance (2); Likely benign (6). Last evaluated 2025-08-18.

Conditions:
Cardiomyopathy (CMYO). Also called: Cardiomyopathies. Identifiers: Orphanet 167848, MedGen C0878544, MONDO:0004994, HP:0001638. Inheritance: Various modes of inheritance.
Cardiovascular phenotype. Identifiers: MedGen CN230736.
Long QT syndrome (LQTS). Identifiers: MedGen C0023976, MeSH D008133, MONDO:0002442. Disease mechanism: loss of function. Inheritance: Various modes of inheritance.

Allele frequency attached by ClinVar (database versions not stated): gnomAD exomes 0.00002 and 0.00003; ExAC 0.00004; gnomAD 0.00004; TOPMed 0.00008.
gnomAD v4.1: 47 of 1,613,926 alleles (0.0029%); highest among the groups gnomAD compares: Admixed American, 0.012%; no homozygotes.

Submissions (8):

Labcorp Genetics (formerly Invitae), Labcorp
Classification: Likely benign for Long QT syndrome. Last evaluated: 2025-08-18. Review status: criteria provided, single submitter. Criteria: Invitae Variant Classification Sherloc (09022015). Collection method: clinical testing. Allele origin: germline.

CeGaT Center for Human Genetics Tuebingen
Classification: Likely benign. Last evaluated: 2022-12-01. Review status: criteria provided, single submitter. Criteria: CeGaT Center For Human Genetics Tuebingen Variant Classification Criteria Version 2. Collection method: clinical testing. Allele origin: germline. Affected: yes. Observed: 1 variant allele.
Comment: CAV3: BP4

Blueprint Genetics
Classification: Likely benign. Last evaluated: 2022-10-24. Review status: criteria provided, single submitter. Criteria: ACMG Guidelines, 2015. Collection method: clinical testing. Allele origin: germline.

Women's Health and Genetics/Laboratory Corporation of America, LabCorp
Classification: Likely benign. Last evaluated: 2021-07-03. Review status: criteria provided, single submitter. Criteria: LabCorp Variant Classification Summary - May 2015. Collection method: clinical testing. Allele origin: germline.

Ambry Genetics
Classification: Likely benign for Cardiovascular phenotype. Last evaluated: 2021-05-28. Review status: criteria provided, single submitter. Criteria: Ambry Variant Classification Scheme 2023. Collection method: clinical testing. Allele origin: germline.

GeneDx
Classification: Likely benign. Last evaluated: 2019-03-25. Review status: criteria provided, single submitter. Criteria: GeneDx Variant Classification Process June 2021. Collection method: clinical testing. Allele origin: germline. Affected: yes.

Eurofins Ntd Llc (ga)
Classification: Uncertain significance. Last evaluated: 2016-09-28. Review status: criteria provided, single submitter. Criteria: EGL Classification Definitions 2015. Collection method: clinical testing. Allele origin: germline. Observed: 1 variant allele, 1 heterozygote.

CHEO Genetics Diagnostic Laboratory, Children's Hospital of Eastern Ontario
Classification: Uncertain significance for Cardiomyopathy. Last evaluated: 2016-08-03. Review status: criteria provided, single submitter. Criteria: ACMG Guidelines, 2015. Collection method: clinical testing. Allele origin: germline. Study: Canadian Open Genetics Repository.

NM_033337.3(CAV3):c.384C>T (p.Phe128=)

Genes: OXTR (oxytocin receptor; minus strand), CAV3 (caveolin 3; plus strand). Cytogenetic location: 3p25.3.
Variant type: single nucleotide variant.
Coding change: c.384C>T on transcript NM_033337.3 (MANE Select); coding-DNA position 384, C replaced by T.
Protein change: p.Phe128=; no amino-acid change (phenylalanine 128 retained).
Molecular consequence: synonymous variant.
Genome position (GRCh38, 1-based): chr3:8,745,795, C>T. VCF-style: chr3-8745795-C-T. GRCh37 (hg19) VCF-style: chr3-8787481-C-T.
Other names: c.384C>T, p.Phe128= (NM_001234.5).
Identifiers: ClinVar variation 457132 (VCV000457132.52), dbSNP rs773934743, ClinGen allele CA2236359.